The following is an entry in ClinVar:

NM_001127222.2(CACNA1A):c.6885A>C (p.Pro2295=)

Gene: CACNA1A (calcium voltage-gated channel subunit alpha1 A; minus strand). Cytogenetic location: 19p13.13.
Variant type: single nucleotide variant.
Coding change: c.6885A>C on transcript NM_001127222.2 (MANE Select); coding-DNA position 6885, A replaced by C.
Protein change: p.Pro2295=; no amino-acid change (proline 2295 retained).
Molecular consequence: synonymous variant. On other transcripts: 3 prime UTR variant (3).
Genome position (GRCh38, 1-based): chr19:13,207,949, T>G on the plus strand (A>C on the coding strand, the complement: CACNA1A is on the minus strand). VCF-style: chr19-13207949-T-G. GRCh37 (hg19) VCF-style: chr19-13318763-T-G.
Other names: c.*97A>C (NM_000068.4, NM_001127221.2, NM_001174080.2); c.6903A>C, p.Pro2301= (NM_023035.3).
Identifiers: ClinVar variation 1879422 (VCV001879422.29), dbSNP rs1600075684, ClinGen allele CA505658995.

ClinVar aggregate classification (germline): Likely benign (1 of 4 stars; one submission).

Submission:

CeGaT Center for Human Genetics Tuebingen
Classification: Likely benign. Last evaluated: 2023-09-01. Review status: criteria provided, single submitter. Criteria: CeGaT Center For Human Genetics Tuebingen Variant Classification Criteria Version 2. Collection method: clinical testing. Allele origin: germline. Affected: yes. Observed: 6 variant alleles.
Comment: CACNA1A: BP4, BP7